The following is an entry in ClinVar:

NM_018685.5(ANLN):c.374G>C (p.Gly125Ala)

Gene: ANLN (anillin, actin binding protein; plus strand). Cytogenetic location: 7p14.2.
Variant type: single nucleotide variant.
Coding change: c.374G>C on transcript NM_018685.5 (MANE Select); coding-DNA position 374, G replaced by C.
Protein change: p.Gly125Ala; replaces glycine 125 with alanine.
Molecular consequence: missense variant.
Genome position (GRCh38, 1-based): chr7:36,399,280, G>C. VCF-style: chr7-36399280-G-C. GRCh37 (hg19) VCF-style: chr7-36438889-G-C.
Other names: c.374G>C (NM_018685.4, NM_018685.2); c.374G>C, p.Gly125Ala (NM_001284301.3, NM_001284302.3); short protein forms G125A.
Identifiers: ClinVar variation 2715587 (VCV002715587.6), dbSNP rs780371833, ClinGen allele CA157076841.

ClinVar aggregate classification (germline): Uncertain significance. Review status: criteria provided, multiple submitters, no conflicts (2 of 4 stars). 4 submissions from 4 submitters: Uncertain significance (4). Last evaluated 2026-04-27.

Conditions:
ANLN-related disorder. Also called: ANLN-related condition.

Allele frequency attached by ClinVar (database versions not stated): gnomAD 0.00001.

Submissions (4):

PreventionGenetics, part of Exact Sciences
Classification: Uncertain significance for ANLN-related condition. Last evaluated: 2026-04-27. Review status: criteria provided, single submitter. Criteria: ACMG Guidelines, 2015. Collection method: clinical testing. Allele origin: germline.
Comment: The ANLN c.374G>C variant is predicted to result in the amino acid substitution p.Gly125Ala. To our knowledge, this variant has not been reported in the literature or in a large population database (gnomAD), indicating this variant is rare. At this time, the clinical significance of this variant is uncertain due to the absence of conclusive functional and genetic evidence.

Ambry Genetics
Classification: Uncertain significance. Last evaluated: 2025-08-01. Review status: criteria provided, single submitter. Criteria: Ambry Variant Classification Scheme 2023. Collection method: clinical testing. Allele origin: germline.

Labcorp Genetics (formerly Invitae), Labcorp
Classification: Uncertain significance. Last evaluated: 2025-04-25. Review status: criteria provided, single submitter. Criteria: Invitae Variant Classification Sherloc (09022015). Collection method: clinical testing. Allele origin: germline.
Comment: This sequence change replaces glycine, which is neutral and non-polar, with alanine, which is neutral and non-polar, at codon 125 of the ANLN protein (p.Gly125Ala). This variant is not present in population databases (gnomAD no frequency). This variant has not been reported in the literature in individuals affected with ANLN-related conditions. ClinVar contains an entry for this variant (Variation ID: 2715587). An algorithm developed to predict the effect of missense changes on protein structure and function (PolyPhen-2) suggests that this variant is likely to be tolerated. In summary, the available evidence is currently insufficient to determine the role of this variant in disease. Therefore, it has been classified as a Variant of Uncertain Significance.

Blueprint Genetics
Classification: Uncertain significance. Last evaluated: 2023-02-23. Review status: criteria provided, single submitter. Criteria: ACMG Guidelines, 2015. Collection method: clinical testing. Allele origin: germline.